The following is an entry in ClinVar:

NM_001292034.3(TAB2):c.462T>G (p.His154Gln)

Gene: TAB2 (TGF-beta activated kinase 1 (MAP3K7) binding protein 2; plus strand). Cytogenetic location: 6q25.1.
Variant type: single nucleotide variant.
Coding change: c.462T>G on transcript NM_001292034.3 (MANE Select); coding-DNA position 462, T replaced by G.
Protein change: p.His154Gln; replaces histidine 154 with glutamine.
Molecular consequence: missense variant.
Genome position (GRCh38, 1-based): chr6:149,378,377, T>G. VCF-style: chr6-149378377-T-G. GRCh37 (hg19) VCF-style: chr6-149699513-T-G.
Other names: c.462T>G (NM_015093.4); c.366T>G, p.His122Gln (NM_001292035.3); c.462T>G, p.His154Gln (NM_001369506.1, NM_015093.6); short protein forms H122Q, H154Q.
Identifiers: ClinVar variation 2979772 (VCV002979772.4), dbSNP rs1296870284, ClinGen allele CA365994416.

ClinVar aggregate classification (germline): Uncertain significance. Review status: criteria provided, multiple submitters, no conflicts (2 of 4 stars). 2 submissions from 2 submitters: Uncertain significance (2). Last evaluated 2024-04-29.

Conditions:
Inborn genetic diseases. Identifiers: MedGen C0950123, MeSH D030342.

Allele frequency attached by ClinVar (database versions not stated): TOPMed below 0.00001; gnomAD 0.00001; gnomAD exomes 0.00001.
gnomAD v4.1: 5 of 1,614,116 alleles (0.00031%); highest among the groups gnomAD compares: Non-Finnish European, 0.00042%; no homozygotes.

Submissions (2):

Ambry Genetics
Classification: Uncertain significance for Inborn genetic diseases. Last evaluated: 2024-04-29. Review status: criteria provided, single submitter. Criteria: Ambry Variant Classification Scheme 2023. Collection method: clinical testing. Allele origin: germline.

Labcorp Genetics (formerly Invitae), Labcorp
Classification: Uncertain significance. Last evaluated: 2023-06-19. Review status: criteria provided, single submitter. Criteria: Invitae Variant Classification Sherloc (09022015). Collection method: clinical testing. Allele origin: germline.
Comment: This variant is present in population databases (no rsID available, gnomAD 0.002%). This sequence change replaces histidine, which is basic and polar, with glutamine, which is neutral and polar, at codon 154 of the TAB2 protein (p.His154Gln). This variant has not been reported in the literature in individuals affected with TAB2-related conditions. In summary, the available evidence is currently insufficient to determine the role of this variant in disease. Therefore, it has been classified as a Variant of Uncertain Significance. Advanced modeling of protein sequence and biophysical properties (such as structural, functional, and spatial information, amino acid conservation, physicochemical variation, residue mobility, and thermodynamic stability) performed at Invitae indicates that this missense variant is not expected to disrupt TAB2 protein function.